The following is an entry in ClinVar:

ClinVar aggregate classification (germline): Benign. Review status: criteria provided, multiple submitters, no conflicts (2 of 4 stars). 2 submissions from 2 submitters: Benign (2). Last evaluated 2017-04-27.

Conditions:
Intellectual developmental disorder, X-linked 93. Also called: MENTAL RETARDATION, X-LINKED, WITH MACROCEPHALY; Intellectual disability, X-linked 93. Identifiers: MedGen C1970841, MONDO:0010393, OMIM 300659.

Allele frequency attached by ClinVar (database versions not stated): gnomAD 0.04529; 1000 Genomes Project 0.03629; 1000 Genomes Project 30x 0.03850; TOPMed 0.04720.

Submissions (2):

Illumina Laboratory Services, Illumina
Classification: Benign for Intellectual developmental disorder, X-linked 93. Last evaluated: 2017-04-27. Review status: criteria provided, single submitter. Criteria: ICSL Variant Classification Criteria 13 December 2019. Collection method: clinical testing. Allele origin: germline.
Comment: This variant was observed as part of a predisposition screen in an ostensibly healthy population. A literature search was performed for the gene, cDNA change, and amino acid change (where applicable). No publications were found based on this search. Allele frequency data from public databases was too high to be consistent with this variant causing disease. Therefore, this variant is classified as benign.

Breakthrough Genomics
Classification: Benign. Review status: criteria provided, single submitter. Criteria: ACMG Guidelines, 2015. Collection method: not provided. Allele origin: germline. Inheritance: X-linked inheritance. Affected: yes.

NM_153252.5(BRWD3):c.*1372T>A

Gene: BRWD3 (bromodomain and WD repeat domain containing 3; minus strand). Cytogenetic location: Xq21.1.
Variant type: single nucleotide variant.
Coding change: c.*1372T>A on transcript NM_153252.5 (MANE Select); 1372 bases downstream of the stop codon, T replaced by A.
Molecular consequence: 3 prime UTR variant.
Genome position (GRCh38, 1-based): chrX:80,675,237, A>T on the plus strand (T>A on the coding strand, the complement: BRWD3 is on the minus strand). VCF-style: chrX-80675237-A-T. GRCh37 (hg19) VCF-style: chrX-79930736-A-T.
Identifiers: ClinVar variation 368718 (VCV000368718.6), dbSNP rs41300257, ClinGen allele CA10646414.
Genomic context (GRCh38, chrX:80,675,237, plus strand): 5'-TAAACAAGACAATAAGGGTTTTTAAAGATGTTTTTTATCTATAAAATAATGATTCACAAC[A>T]TGAGTGTGCAGTGCAATAAGGTTCTTTCCTGAAAGACTAGAACAGAAGAACCCTTTGGAA-3'